The following is an entry in ClinVar:

NM_001042492.3(NF1):c.6642+2T>A

Gene: NF1 (neurofibromin 1; plus strand). Cytogenetic location: 17q11.2.
Variant type: single nucleotide variant.
Coding change: c.6642+2T>A on transcript NM_001042492.3 (MANE Select); the canonical splice donor site of the intron after coding-DNA position 6642, T replaced by A.
Molecular consequence: splice donor variant.
Genome position (GRCh38, 1-based): chr17:31,337,584, T>A. VCF-style: chr17-31337584-T-A. GRCh37 (hg19) VCF-style: chr17-29664602-T-A.
Other names: c.6579+2T>A (NM_000267.4).
Identifiers: ClinVar variation 1398526 (VCV001398526.10), dbSNP rs2069709336, ClinGen allele CA399013602.

ClinVar aggregate classification (germline): Pathogenic. Review status: criteria provided, multiple submitters, no conflicts (2 of 4 stars). 3 submissions from 3 submitters: Pathogenic (3). Last evaluated 2025-09-25.

Conditions:
Cardiovascular phenotype. Identifiers: MedGen CN230736.
Hereditary cancer-predisposing syndrome. Also called: Neoplastic Syndromes, Hereditary; Hereditary neoplastic syndrome; Hereditary Cancer Syndrome; Tumor predisposition. Identifiers: Orphanet 140162, MedGen C0027672, MeSH D009386, MONDO:0015356.
Neurofibromatosis, type 1 (NF1). Also called: NEUROFIBROMATOSIS, TYPE I, SOMATIC; Peripheral type neurofibromatosis; Neurofibromatosis, type I; VON RECKLINGHAUSEN DISEASE. Identifiers: Orphanet 636, MedGen C0027831, MONDO:0018975, OMIM 162200. Disease mechanism: loss of function.

Submissions (3):

NHS Central & South Genomic Laboratory Hub
Classification: Pathogenic for Neurofibromatosis type 1. Last evaluated: 2025-09-25. Review status: criteria provided, single submitter. Criteria: ACMG Guidelines, 2015. Collection method: clinical testing. Allele origin: germline. Affected: yes.

Ambry Genetics
Classification: Pathogenic for Cardiovascular phenotype; Hereditary cancer-predisposing syndrome. Last evaluated: 2025-02-10. Review status: criteria provided, single submitter. Criteria: Ambry Variant Classification Scheme 2023. Collection method: clinical testing. Allele origin: germline.
Comment: The c.6579+2T>A intronic pathogenic mutation results from a T to A substitution two nucleotides after coding exon 42 in the NF1 gene. This nucleotide position is highly conserved in available vertebrate species. In silico splice site analysis predicts that this alteration will weaken the native splice donor site and will result in the creation or strengthening of a novel splice donor site. Another variant impacting the same donor site (c.6579+1G>T) has been identified in individual(s) with features consistent with neurofibromatosis type 1 (Sabbagh A et al. Hum. Mutat., 2013 Nov;34:1510-8; Giugliano T et al. Genes (Basel), 2019 07;10; Ambry internal data). This variant is considered to be rare based on population cohorts in the Genome Aggregation Database (gnomAD). Based on the supporting evidence, this variant is interpreted as a disease-causing mutation.

Labcorp Genetics (formerly Invitae), Labcorp
Classification: Pathogenic for Neurofibromatosis, type 1. Last evaluated: 2022-06-22. Review status: criteria provided, single submitter. Criteria: Invitae Variant Classification Sherloc (09022015). Collection method: clinical testing. Allele origin: germline.
Comment: Studies have shown that disruption of this splice site results in alternative splicing and introduces a premature termination codon (PMID: 23913538, 31370276). The resulting mRNA is expected to undergo nonsense-mediated decay. This sequence change affects a donor splice site in intron 42 of the NF1 gene. RNA analysis indicates that disruption of this splice site induces altered splicing and may result in an absent or disrupted protein product. This variant is not present in population databases (gnomAD no frequency). Disruption of this splice site has been observed in individual(s) with neurofibromatosis type 1 (PMID: 16835897, 23913538, 30124220). For these reasons, this variant has been classified as Pathogenic.

Literature cited by the submitters: PubMed 23913538 (cited by Labcorp Genetics (formerly Invitae), Labcorp); PubMed 31370276 (cited by Labcorp Genetics (formerly Invitae), Labcorp); PubMed 16835897 (cited by Labcorp Genetics (formerly Invitae), Labcorp); PubMed 30124220 (cited by Labcorp Genetics (formerly Invitae), Labcorp).